The following is an entry in ClinVar:

NM_052859.4(RFT1):c.149+5G>A

Gene: RFT1 (RFT1 glycolipid translocator homolog; minus strand). Cytogenetic location: 3p21.1.
Variant type: single nucleotide variant.
Coding change: c.149+5G>A on transcript NM_052859.4 (MANE Select); 5 bases into the intron after coding-DNA position 149, G replaced by A.
Molecular consequence: intron variant.
Genome position (GRCh38, 1-based): chr3:53,125,904, C>T on the plus strand (G>A on the coding strand, the complement: RFT1 is on the minus strand). VCF-style: chr3-53125904-C-T. GRCh37 (hg19) VCF-style: chr3-53159920-C-T.
Identifiers: ClinVar variation 1490962 (VCV001490962.3), dbSNP rs775590840, ClinGen allele CA2451542.

ClinVar aggregate classification (germline): Uncertain significance (1 of 4 stars; one submission).

Conditions:
RFT1-congenital disorder of glycosylation (CDG1N). Also called: CDG In; Congenital disorder of glycosylation type In; RFT1-CDG. Identifiers: Orphanet 244310, MedGen C2677590, MONDO:0012783, OMIM 612015.

Allele frequency attached by ClinVar (database versions not stated): gnomAD exomes below 0.00001 and 0.00001; ExAC 0.00001; gnomAD 0.00001.
gnomAD v4.1: 7 of 1,611,686 alleles (0.00043%); highest among the groups gnomAD compares: African/African-American, 0.0013%; no homozygotes.

Submission:

Labcorp Genetics (formerly Invitae), Labcorp
Classification: Uncertain significance for RFT1-congenital disorder of glycosylation. Last evaluated: 2021-04-10. Review status: criteria provided, single submitter. Criteria: Invitae Variant Classification Sherloc (09022015). Collection method: clinical testing. Allele origin: germline.
Comment: This sequence change falls in intron 2 of the RFT1 gene. It does not directly change the encoded amino acid sequence of the RFT1 protein. It affects a nucleotide within the consensus splice site of the intron. This variant is present in population databases (rs775590840, ExAC 0.002%). This variant has not been reported in the literature in individuals with RFT1-related conditions. Nucleotide substitutions within the consensus splice site are a relatively common cause of aberrant splicing (PMID: 17576681, 9536098). Algorithms developed to predict the effect of sequence changes on RNA splicing suggest that this variant may disrupt the consensus splice site, but this prediction has not been confirmed by published transcriptional studies. In summary, the available evidence is currently insufficient to determine the role of this variant in disease. Therefore, it has been classified as a Variant of Uncertain Significance.

Literature cited by the submitters: PubMed 17576681; PubMed 9536098.